The following is an entry in ClinVar:

ClinVar aggregate classification (germline): Uncertain significance (1 of 4 stars; one submission).

Conditions:
Early-infantile DEE. Also called: Early infantile epileptic encephalopathy; Ohtahara syndrome; Early infantile epileptic encephalopathy with suppression bursts. Identifiers: Orphanet 1934, MedGen C0393706, MONDO:0800491.

Submission:

Labcorp Genetics (formerly Invitae), Labcorp
Classification: Uncertain significance for Early-infantile DEE. Last evaluated: 2019-09-25. Review status: criteria provided, single submitter. Criteria: Invitae Variant Classification Sherloc (09022015). Collection method: clinical testing. Allele origin: germline.
Comment: In summary, the available evidence is currently insufficient to determine the role of this variant in disease. Therefore, it has been classified as a Variant of Uncertain Significance. Experimental studies and prediction algorithms are not available or were not evaluated for this variant, and the functional significance of this variant is currently unknown. This variant has not been reported in the literature in individuals with ARHGEF15-related conditions. This variant is not present in population databases (ExAC no frequency). This variant, c.698_700del, results in the deletion of 1 amino acid(s) of the ARHGEF15 protein (p.Glu233del), but otherwise preserves the integrity of the reading frame.

NM_173728.4(ARHGEF15):c.695AGG[1] (p.Glu233del)

Gene: ARHGEF15 (Rho guanine nucleotide exchange factor 15; plus strand). Cytogenetic location: 17p13.1.
Variant type: Microsatellite.
Coding change: c.695AGG[1] on transcript NM_173728.4 (MANE Select); one copy of the 3-base unit AGG starting at c.695; the reference has two copies in a row; one copy, 3 bases deleted.
Protein change: p.Glu233del; deletes glutamic acid 233.
Molecular consequence: inframe deletion.
Genome position (GRCh38, 1-based): chr17:8,313,018-8,313,020, AGG deleted; deleting any 3 consecutive bases within chr17:8,313,014-8,313,020 gives the same sequence; the position shown is the placement nearest the transcript's 3' end. VCF-style (leftmost placement, unchanged base first): chr17-8313013-TGAG-T. GRCh37 (hg19) VCF-style: chr17-8216331-TGAG-T.
Other names: c.695AGG[1], p.Glu233del (NM_025014.2); short protein forms E233del.
Identifiers: ClinVar variation 942662 (VCV000942662.10), dbSNP rs1904754640, ClinGen allele CA981258871.